The following is an entry in ClinVar:

NM_003106.4(SOX2):c.69C>G (p.Gly23=)

Genes: SOX2-OT (SOX2 overlapping transcript; plus strand), SOX2 (SRY-box transcription factor 2; plus strand), LOC108281177 (SOX2 5' regulatory region; plus strand). Cytogenetic location: 3q26.33.
Variant type: single nucleotide variant.
Coding change: c.69C>G on transcript NM_003106.4 (MANE Select); coding-DNA position 69, C replaced by G.
Protein change: p.Gly23=; no amino-acid change (glycine 23 retained).
Molecular consequence: synonymous variant.
Genome position (GRCh38, 1-based): chr3:181,712,429, C>G. VCF-style: chr3-181712429-C-G. GRCh37 (hg19) VCF-style: chr3-181430217-C-G.
Identifiers: ClinVar variation 2809030 (VCV002809030.3), dbSNP rs2108521445, ClinGen allele CA437335051.

ClinVar aggregate classification (germline): Uncertain significance (1 of 4 stars; one submission).

Conditions:
Anophthalmia/microphthalmia-esophageal atresia syndrome (MCOPS3). Also called: SOX2 Disorder; MICROPHTHALMIA AND ESOPHAGEAL ATRESIA SYNDROME; AEG SYNDROME. Identifiers: Orphanet 77298, MedGen C1859773, MONDO:0008799, OMIM 206900.

Submission:

Labcorp Genetics (formerly Invitae), Labcorp
Classification: Uncertain significance for Anophthalmia/microphthalmia-esophageal atresia syndrome. Last evaluated: 2022-10-20. Review status: criteria provided, single submitter. Criteria: Invitae Variant Classification Sherloc (09022015). Collection method: clinical testing. Allele origin: germline.
Comment: This variant has not been reported in the literature in individuals affected with SOX2-related conditions. This sequence change affects codon 23 of the SOX2 mRNA. It is a 'silent' change, meaning that it does not change the encoded amino acid sequence of the SOX2 protein. This variant is not present in population databases (gnomAD no frequency). In summary, the available evidence is currently insufficient to determine the role of this variant in disease. Therefore, it has been classified as a Variant of Uncertain Significance.